The following is an entry in ClinVar:

ClinVar aggregate classification (germline): Uncertain significance (1 of 4 stars; one submission).

Allele frequency attached by ClinVar (database versions not stated): gnomAD 0.00002; gnomAD exomes 0.00002; TOPMed 0.00003; ExAC 0.00007.
gnomAD v4.1: 32 of 1,613,928 alleles (0.002%); highest among the groups gnomAD compares: South Asian, 0.0066%; no homozygotes.

Submission:

GeneDx
Classification: Uncertain significance. Last evaluated: 2022-06-16. Review status: criteria provided, single submitter. Criteria: GeneDx Variant Classification Process June 2021. Collection method: clinical testing. Allele origin: germline. Affected: yes.
Comment: In silico analysis supports that this missense variant has a deleterious effect on protein structure/function; In silico analysis supports a deleterious effect on splicing; Has not been previously published as pathogenic or benign to our knowledge

NM_130466.4(UBE3B):c.2080G>A (p.Gly694Ser)

Gene: UBE3B (ubiquitin protein ligase E3B; plus strand). Cytogenetic location: 12q24.11.
Variant type: single nucleotide variant.
Coding change: c.2080G>A on transcript NM_130466.4 (MANE Select); coding-DNA position 2080, G replaced by A.
Protein change: p.Gly694Ser; replaces glycine 694 with serine.
Molecular consequence: missense variant.
Genome position (GRCh38, 1-based): chr12:109,521,151, G>A. VCF-style: chr12-109521151-G-A. GRCh37 (hg19) VCF-style: chr12-109958956-G-A.
Other names: c.2080G>A, p.Gly694Ser (NM_183415.3); short protein forms G694S.
Identifiers: ClinVar variation 1804552 (VCV001804552.1), dbSNP rs765326926, ClinGen allele CA6778123.